The following is an entry in ClinVar:

ClinVar aggregate classification (germline): Pathogenic. Review status: criteria provided, single submitter (1 of 4 stars). 2 submissions from 2 submitters: Pathogenic (1). 1 of the submissions does not count toward it. Last evaluated 2026-06-16.

Conditions:
Inborn genetic diseases. Identifiers: MedGen C0950123, MeSH D030342.

Submissions (2):

Ambry Genetics
Classification: Pathogenic for Inborn genetic diseases. Last evaluated: 2026-06-16. Review status: criteria provided, single submitter. Criteria: Ambry Variant Classification Scheme 2023. Collection method: clinical testing. Allele origin: germline.
Comment: The c.2836C>T (p.R946*) alteration, located in exon 16 (coding exon 16) of the CHD3 gene, consists of a C to T substitution at nucleotide position 2836. This changes the amino acid from an arginine (R) to a stop codon at amino acid position 946. This variant is expected to result in loss of function by premature protein truncation or nonsense-mediated mRNA decay. This variant was not reported in population-based cohorts in the Genome Aggregation Database (gnomAD). Based on the available evidence, this alteration is classified as pathogenic.

Diagnostics Centre, Carl Von Ossietzky University Oldenburg
Classification: Likely pathogenic. Last evaluated: 2026-06-23. Review status: no assertion criteria provided. Collection method: clinical testing. Allele origin: germline. Affected: yes. Observed: 1 variant allele, 1 heterozygote. Not counted in ClinVar's aggregate classification.

NM_001005273.3(CHD3):c.2659C>T (p.Arg887Ter)

Gene: CHD3 (chromodomain helicase DNA binding protein 3; plus strand). Cytogenetic location: 17p13.1.
Variant type: single nucleotide variant.
Coding change: c.2659C>T on transcript NM_001005273.3 (MANE Select); coding-DNA position 2659, C replaced by T.
Protein change: p.Arg887Ter; replaces arginine 887 with a stop codon.
Molecular consequence: nonsense.
Genome position (GRCh38, 1-based): chr17:7,900,010, C>T. VCF-style: chr17-7900010-C-T. GRCh37 (hg19) VCF-style: chr17-7803328-C-T.
Other names: c.2836C>T (NM_001005271.2); c.2836C>T, p.Arg946Ter (NM_001005271.3, NM_001437504.1); c.2824C>T, p.Arg942Ter (NM_001437507.1, NM_001437508.1, NM_001437509.1); c.2659C>T, p.Arg887Ter (NM_005852.4); short protein forms R887*, R942*, R946*.
Identifiers: ClinVar variation 4886858 (VCV004886858.2).